The following is an entry in ClinVar:

NM_013247.5(HTRA2):c.1010G>A (p.Arg337His)

Gene: HTRA2 (HtrA serine peptidase 2; plus strand). Cytogenetic location: 2p13.1.
Variant type: single nucleotide variant.
Coding change: c.1010G>A on transcript NM_013247.5 (MANE Select); coding-DNA position 1010, G replaced by A.
Protein change: p.Arg337His; replaces arginine 337 with histidine.
Molecular consequence: missense variant. On other transcripts: non-coding transcript variant (4).
Genome position (GRCh38, 1-based): chr2:74,531,667, G>A. VCF-style: chr2-74531667-G-A. GRCh37 (hg19) VCF-style: chr2-74758794-G-A.
Other names: c.1040G>A, p.Arg347His (NM_001321727.1); c.1010G>A, p.Arg337His (NM_001321728.1); c.815G>A, p.Arg272His (NM_145074.2); short protein forms R347H, R272H, R337H.
Identifiers: ClinVar variation 2066592 (VCV002066592.3), dbSNP rs147035021, ClinGen allele CA1728525.

ClinVar aggregate classification (germline): Uncertain significance. Review status: criteria provided, multiple submitters, no conflicts (2 of 4 stars). 2 submissions from 2 submitters: Uncertain significance (2). Last evaluated 2026-02-04.

Allele frequency attached by ClinVar (database versions not stated): 1000 Genomes Project 30x 0.00031; 1000 Genomes Project 0.00020; gnomAD exomes 0.00003; gnomAD 0.00005; ExAC 0.00013; ESP Exome Variant Server 0.00015.
gnomAD v4.1: 60 of 1,614,142 alleles (0.0037%); highest among the groups gnomAD compares: African/African-American, 0.025%; no homozygotes.

Submissions (2):

GeneDx
Classification: Uncertain significance. Last evaluated: 2026-02-04. Review status: criteria provided, single submitter. Criteria: GeneDx Variant Classification Process June 2021. Collection method: clinical testing. Allele origin: germline. Affected: yes.
Comment: In silico analysis supports that this missense variant has a deleterious effect on protein structure/function; Has not been previously published as pathogenic or benign to our knowledge

Labcorp Genetics (formerly Invitae), Labcorp
Classification: Uncertain significance. Last evaluated: 2022-04-20. Review status: criteria provided, single submitter. Criteria: Invitae Variant Classification Sherloc (09022015). Collection method: clinical testing. Allele origin: germline.
Comment: This sequence change replaces arginine, which is basic and polar, with histidine, which is basic and polar, at codon 337 of the HTRA2 protein (p.Arg337His). This variant is present in population databases (rs147035021, gnomAD 0.02%). This variant has not been reported in the literature in individuals affected with HTRA2-related conditions. Algorithms developed to predict the effect of missense changes on protein structure and function are either unavailable or do not agree on the potential impact of this missense change (SIFT: "Tolerated"; PolyPhen-2: "Probably Damaging"; Align-GVGD: "Class C0"). In summary, the available evidence is currently insufficient to determine the role of this variant in disease. Therefore, it has been classified as a Variant of Uncertain Significance.